The following is an entry in ClinVar:

ClinVar aggregate classification (germline): Uncertain significance (1 of 4 stars; one submission).

Conditions:
Mitochondrial trifunctional protein deficiency. Identifiers: Orphanet 746, MedGen C1969443, MONDO:0012172.

gnomAD v4.1: 1 of 1,472,244 alleles (0.000068%); highest among the groups gnomAD compares: Non-Finnish European, 0.000095%; no homozygotes.

Submission:

Labcorp Genetics (formerly Invitae), Labcorp
Classification: Uncertain significance for Mitochondrial trifunctional protein deficiency. Last evaluated: 2020-04-17. Review status: criteria provided, single submitter. Criteria: Invitae Variant Classification Sherloc (09022015). Collection method: clinical testing. Allele origin: germline.
Comment: This sequence change falls in intron 13 of the HADHB gene. It does not directly change the encoded amino acid sequence of the HADHB protein, but it affects a nucleotide within the consensus splice site of the intron. This variant is not present in population databases (ExAC no frequency). This variant has not been reported in the literature in individuals with HADHB-related conditions. Nucleotide substitutions within the consensus splice site are a relatively common cause of aberrant splicing (PMID: 17576681, 9536098). Algorithms developed to predict the effect of sequence changes on RNA splicing suggest that this variant may disrupt the consensus splice site, but this prediction has not been confirmed by published transcriptional studies. In summary, the available evidence is currently insufficient to determine the role of this variant in disease. Therefore, it has been classified as a Variant of Uncertain Significance.

Literature cited by the submitters: PubMed 17576681; PubMed 9536098.

NM_000183.3(HADHB):c.1149+4A>G

Gene: HADHB (hydroxyacyl-CoA dehydrogenase trifunctional multienzyme complex subunit beta; plus strand). Cytogenetic location: 2p23.3.
Variant type: single nucleotide variant.
Coding change: c.1149+4A>G on transcript NM_000183.3 (MANE Select); 4 bases into the intron after coding-DNA position 1149, A replaced by G.
Molecular consequence: intron variant.
Genome position (GRCh38, 1-based): chr2:26,284,208, A>G. VCF-style: chr2-26284208-A-G. GRCh37 (hg19) VCF-style: chr2-26507076-A-G.
Other names: c.1083+4A>G (NM_001281513.2); c.1104+4A>G (NM_001281512.2).
Identifiers: ClinVar variation 945420 (VCV000945420.8), dbSNP rs2303893, ClinGen allele CA1139656779.